The following is an entry in ClinVar:

ClinVar aggregate classification (germline): Uncertain significance (1 of 4 stars; one submission).

Allele frequency attached by ClinVar (database versions not stated): gnomAD exomes below 0.00001; TOPMed 0.00001; ExAC 0.00002; gnomAD 0.00002.
gnomAD v4.1: 5 of 1,614,054 alleles (0.00031%); highest among the groups gnomAD compares: African/African-American, 0.0067%; no homozygotes.

Submission:

Ambry Genetics
Classification: Uncertain significance. Last evaluated: 2023-09-21. Review status: criteria provided, single submitter. Criteria: Ambry Variant Classification Scheme 2023. Collection method: clinical testing. Allele origin: germline.
Comment: The p.S845N variant (also known as c.2534G>A), located in coding exon 1 of the MLH3 gene, results from a G to A substitution at nucleotide position 2534. The serine at codon 845 is replaced by asparagine, an amino acid with highly similar properties. This amino acid position is conserved. In addition, this alteration is predicted to be tolerated by in silico analysis. Since supporting evidence is limited at this time, the clinical significance of this alteration remains unclear.

NM_001040108.2(MLH3):c.2534G>A (p.Ser845Asn)

Gene: MLH3 (mutL homolog 3; minus strand). Cytogenetic location: 14q24.3.
Variant type: single nucleotide variant.
Coding change: c.2534G>A on transcript NM_001040108.2 (MANE Select); coding-DNA position 2534, G replaced by A.
Protein change: p.Ser845Asn; replaces serine 845 with asparagine.
Molecular consequence: missense variant.
Genome position (GRCh38, 1-based): chr14:75,047,122, C>T on the plus strand (G>A on the coding strand, the complement: MLH3 is on the minus strand). VCF-style: chr14-75047122-C-T. GRCh37 (hg19) VCF-style: chr14-75513825-C-T.
Other names: c.2534G>A, p.Ser845Asn (NM_014381.3); short protein forms S845N.
Identifiers: ClinVar variation 1792741 (VCV001792741.2), dbSNP rs759641765, ClinGen allele CA7275687.
Genomic context (GRCh38, chr14:75,047,122, plus strand): 5'-TCCAAAGGTTTTCTATTAAAGAGAGATAACTCCTTCAGGGTCATAGGACTTTCTCTCAAA[C>T]TAGGCATCTGTTGTTCTAAACAATCTTCATCCTTGGAGAATGGAAACTTCTCTGAGTTAA-3'
Protein context (NP_001035197.1, residues 835-855): DEDCLEQQMP[Ser845Asn]LRESPMTLKE